The following is an entry in ClinVar:

NM_000317.3(PTS):c.83+1G>A

Genes: PTS (6-pyruvoyltetrahydropterin synthase; plus strand), LOC130006765 (ATAC-STARR-seq lymphoblastoid silent region 3906; plus strand). Cytogenetic location: 11q23.1.
Variant type: single nucleotide variant.
Coding change: c.83+1G>A on transcript NM_000317.3 (MANE Select); the canonical splice donor site of the intron after coding-DNA position 83, G replaced by A.
Molecular consequence: splice donor variant.
Genome position (GRCh38, 1-based): chr11:112,226,527, G>A. VCF-style: chr11-112226527-G-A. GRCh37 (hg19) VCF-style: chr11-112097250-G-A.
Identifiers: ClinVar variation 552817 (VCV000552817.18), dbSNP rs927103678, ClinGen allele CA228595264.
Genomic context (GRCh38, chr11:112,226,527, plus strand): 5'-TCGCTGCCAGGCACAAGTGTCCCGCCGCATCTCCTTCAGCGCGAGCCACCGATTGTACAG[G>A]TAGGGTGTGCACACAGGTACAGCGGCGGGCGGTGGGCGCCGGGCCCCGGAACGTCACCGG-3'

ClinVar aggregate classification (germline): Likely pathogenic. Review status: criteria provided, multiple submitters, no conflicts (2 of 4 stars). 6 submissions from 6 submitters: Likely pathogenic (5). 1 of the submissions does not count toward it. Last evaluated 2025-06-04.

Conditions:
6-Pyruvoyl-tetrahydrobiopterin synthase deficiency. Also called: 6-Pyruvoyltetrahydropterin Synthase Deficiency; PTS DEFICIENCY; HYPERPHENYLALANINEMIA, TETRAHYDROBIOPTERIN-DEFICIENT, DUE TO PTS DEFICIENCY; PTS-Related Tetrahydrobiopterin Deficiency; BH4-deficient hyperphenylalaninemia A; Hyperphenylalanemia, BH4-deficient, A. Identifiers: Orphanet 13, Orphanet 238583, MedGen C0878676, MONDO:0009863, OMIM 261640.

Allele frequency attached by ClinVar (database versions not stated): gnomAD exomes below 0.00001; TOPMed below 0.00001.
gnomAD v4.1: 3 of 1,581,594 alleles (0.00019%); highest among the groups gnomAD compares: Middle Eastern, 0.017%; no homozygotes.

Submissions (6):

Mayo Clinic Laboratories, Mayo Clinic
Classification: Likely pathogenic. Last evaluated: 2025-06-04. Review status: criteria provided, single submitter. Criteria: ACMG Guidelines, 2015. Collection method: clinical testing. Allele origin: germline. Observed: 1 variant allele.
Comment: PM2_supporting, PVS1

Natera, Inc.
Classification: Likely pathogenic for 6-Pyruvoyl-tetrahydrobiopterin synthase deficiency. Last evaluated: 2024-12-27. Review status: criteria provided, single submitter. Criteria: Natera Variant Classification Schema (03/2026). Collection method: clinical testing. Allele origin: germline.
Comment: The c.83+1G>A variant in PTS is a canonical splice donor site variant predicted to affect pre-mRNA splicing, which may result in an abnormal transcript and altered protein product. This variant is expected to result in nonsense mediated decay, truncation, or a dysfunctional protein product. This variant is rare in the general population with a frequency below the threshold expected for the associated phenotype(s). Given the available evidence, this variant is classified as Likely Pathogenic.

Fulgent Genetics
Classification: Likely pathogenic for 6-Pyruvoyl-tetrahydrobiopterin synthase deficiency. Last evaluated: 2024-04-09. Review status: criteria provided, single submitter. Criteria: ACMG Guidelines, 2015. Collection method: clinical testing. Allele origin: germline.

Labcorp Genetics (formerly Invitae), Labcorp
Classification: Likely pathogenic for 6-Pyruvoyl-tetrahydrobiopterin synthase deficiency. Last evaluated: 2023-03-08. Review status: criteria provided, single submitter. Criteria: Invitae Variant Classification Sherloc (09022015). Collection method: clinical testing. Allele origin: germline.
Comment: This sequence change affects a donor splice site in intron 1 of the PTS gene. It is expected to disrupt RNA splicing. Variants that disrupt the donor or acceptor splice site typically lead to a loss of protein function (PMID: 16199547), and loss-of-function variants in PTS are known to be pathogenic (PMID: 3297709, 16917893). This variant is not present in population databases (gnomAD no frequency). This variant has not been reported in the literature in individuals affected with PTS-related conditions. ClinVar contains an entry for this variant (Variation ID: 552817). Algorithms developed to predict the effect of sequence changes on RNA splicing suggest that this variant may disrupt the consensus splice site. In summary, the currently available evidence indicates that the variant is pathogenic, but additional data are needed to prove that conclusively. Therefore, this variant has been classified as Likely Pathogenic.

Genome-Nilou Lab
Classification: Likely pathogenic for 6-Pyruvoyl-tetrahydrobiopterin synthase deficiency. Last evaluated: 2021-09-05. Review status: criteria provided, single submitter. Criteria: ACMG Guidelines, 2015. Collection method: clinical testing. Allele origin: germline. Affected: no.

Counsyl
Classification: Likely pathogenic for 6-Pyruvoyl-tetrahydrobiopterin synthase deficiency. Last evaluated: 2017-07-10. Review status: no assertion criteria provided. Collection method: clinical testing. Allele origin: unknown. Not counted in ClinVar's aggregate classification.

Literature cited by the submitters: PubMed 16199547 (cited by Labcorp Genetics (formerly Invitae), Labcorp); PubMed 3297709 (cited by Labcorp Genetics (formerly Invitae), Labcorp); PubMed 16917893 (cited by Labcorp Genetics (formerly Invitae), Labcorp).